The following is an entry in ClinVar:

NM_000038.6(APC):c.1502C>A (p.Ala501Asp)

Gene: APC (APC regulator of Wnt signaling pathway; plus strand). Cytogenetic location: 5q22.2.
Variant type: single nucleotide variant.
Coding change: c.1502C>A on transcript NM_000038.6 (MANE Select); coding-DNA position 1502, C replaced by A.
Protein change: p.Ala501Asp; replaces alanine 501 with aspartic acid.
Molecular consequence: missense variant.
Genome position (GRCh38, 1-based): chr5:112,827,201, C>A. VCF-style: chr5-112827201-C-A. GRCh37 (hg19) VCF-style: chr5-112162898-C-A.
Other names: c.1502C>A, p.Ala501Asp (NM_001127510.3, NM_001354895.2, NM_001407450.1); c.1448C>A, p.Ala483Asp (NM_001127511.3); c.1556C>A, p.Ala519Asp (NM_001354896.2, NM_001407447.1, NM_001407448.1 and 1 more transcripts); c.1532C>A, p.Ala511Asp (NM_001354897.2); c.1427C>A, p.Ala476Asp (NM_001354898.2); c.1418C>A, p.Ala473Asp (NM_001354899.2); c.1379C>A, p.Ala460Asp (NM_001354900.2); c.1325C>A, p.Ala442Asp (NM_001354901.2, NM_001407453.1); and 11 more; short protein forms A410D, A442D, A501D, A519D, A529D, A341D, A375D, A418D.
Identifiers: ClinVar variation 1774038 (VCV001774038.7), dbSNP rs1390189763, ClinGen allele CA16024589.

ClinVar aggregate classification (germline): Uncertain significance. Review status: criteria provided, multiple submitters, no conflicts (2 of 4 stars). 2 submissions from 2 submitters: Uncertain significance (2). Last evaluated 2022-04-19.

Conditions:
Hereditary cancer-predisposing syndrome. Also called: Hereditary Cancer Syndrome; Hereditary neoplastic syndrome; Neoplastic Syndromes, Hereditary; Tumor predisposition. Identifiers: Orphanet 140162, MedGen C0027672, MeSH D009386, MONDO:0015356.
Familial adenomatous polyposis 1 (FAP1). Also called: FAMILIAL ADENOMATOUS POLYPOSIS 1, ATTENUATED; POLYPOSIS, ADENOMATOUS INTESTINAL. Identifiers: MedGen C2713442, MONDO:0021056, OMIM 175100. Disease mechanism: loss of function.

Submissions (2):

Labcorp Genetics (formerly Invitae), Labcorp
Classification: Uncertain significance for Familial adenomatous polyposis 1. Last evaluated: 2022-04-19. Review status: criteria provided, single submitter. Criteria: Invitae Variant Classification Sherloc (09022015). Collection method: clinical testing. Allele origin: germline.
Comment: In summary, the available evidence is currently insufficient to determine the role of this variant in disease. Therefore, it has been classified as a Variant of Uncertain Significance. Algorithms developed to predict the effect of missense changes on protein structure and function are either unavailable or do not agree on the potential impact of this missense change (SIFT: "Deleterious"; PolyPhen-2: "Probably Damaging"; Align-GVGD: "Class C15"). This variant has not been reported in the literature in individuals affected with APC-related conditions. This variant is not present in population databases (gnomAD no frequency). This sequence change replaces alanine, which is neutral and non-polar, with aspartic acid, which is acidic and polar, at codon 501 of the APC protein (p.Ala501Asp).

Ambry Genetics
Classification: Uncertain significance for Hereditary cancer-predisposing syndrome. Last evaluated: 2022-01-28. Review status: criteria provided, single submitter. Criteria: Ambry Variant Classification Scheme 2023. Collection method: clinical testing. Allele origin: germline.
Comment: The p.A501D variant (also known as c.1502C>A), located in coding exon 11 of the APC gene, results from a C to A substitution at nucleotide position 1502. The alanine at codon 501 is replaced by aspartic acid, an amino acid with dissimilar properties. This amino acid position is conserved. In addition, in silico predictors for this gene do not accurately predict pathogenicity. Since supporting evidence is limited at this time, the clinical significance of this alteration remains unclear.